The following is an entry in ClinVar:

ClinVar aggregate classification (germline): Benign/Likely benign. Review status: criteria provided, multiple submitters, no conflicts (2 of 4 stars). 7 submissions from 7 submitters: Benign (5); Likely benign (2). Last evaluated 2026-02-02.

Conditions:
Fanconi anemia complementation group P. Also called: SLX4-Related Fanconi Anemia. Identifiers: Orphanet 84, MedGen C3469542, MONDO:0013499, OMIM 613951.
Fanconi anemia (FA). Also called: Fanconi's anemia. Identifiers: Orphanet 84, MedGen C0015625, MeSH D005199, MONDO:0019391.

Allele frequency attached by ClinVar (database versions not stated): gnomAD exomes 0.00074 and 0.00235; ExAC 0.00303; 1000 Genomes Project 0.00759; 1000 Genomes Project 30x 0.00828; gnomAD 0.00902 and 0.00998; ESP Exome Variant Server 0.00925; TOPMed 0.01053.
gnomAD v4.1: 2,494 of 1,584,396 alleles (0.16%); highest among the groups gnomAD compares: African/African-American, 3%; 34 homozygotes.

Submissions (7):

Labcorp Genetics (formerly Invitae), Labcorp
Classification: Benign for Fanconi anemia. Last evaluated: 2026-02-02. Review status: criteria provided, single submitter. Criteria: Invitae Variant Classification Sherloc (09022015). Collection method: clinical testing. Allele origin: germline.

ARUP Laboratories, Molecular Genetics and Genomics, ARUP Laboratories
Classification: Benign for Fanconi anemia complementation group P. Last evaluated: 2024-10-10. Review status: criteria provided, single submitter. Criteria: ARUP Molecular Germline Variant Investigation Process 2024. Collection method: clinical testing. Allele origin: germline.

KCCC/NGS Laboratory, Kuwait Cancer Control Center
Classification: Benign for Fanconi anemia complementation group P. Last evaluated: 2023-07-07. Review status: criteria provided, single submitter. Criteria: ACMG Guidelines, 2015. Collection method: clinical testing. Allele origin: germline. Affected: yes.

GeneDx
Classification: Likely benign. Last evaluated: 2020-11-24. Review status: criteria provided, single submitter. Criteria: GeneDx Variant Classification Process June 2021. Collection method: clinical testing. Allele origin: germline. Affected: yes.

Genetic Services Laboratory, University of Chicago
Classification: Benign. Last evaluated: 2020-10-07. Review status: criteria provided, single submitter. Criteria: ACMG Guidelines, 2015. Collection method: clinical testing. Allele origin: germline. Affected: no.

Illumina Laboratory Services, Illumina
Classification: Benign for Fanconi anemia complementation group P. Last evaluated: 2018-01-13. Review status: criteria provided, single submitter. Criteria: ICSL Variant Classification Criteria 13 December 2019. Collection method: clinical testing. Allele origin: germline.
Comment: This variant was observed in the ICSL laboratory as part of a predisposition screen in an ostensibly healthy population. It had not been previously curated by ICSL or reported in the Human Gene Mutation Database (HGMD: prior to June 1st, 2018), and was therefore a candidate for classification through an automated scoring system. Utilizing variant allele frequency, disease prevalence and penetrance estimates, and inheritance mode, an automated score was calculated to assess if this variant is too frequent to cause the disease. Based on the score and internal cut-off values, a variant classified as benign is not then subjected to further curation. The score for this variant resulted in a classification of benign for this disease.

Breakthrough Genomics
Classification: Likely benign. Review status: criteria provided, single submitter. Criteria: ACMG Guidelines, 2015. Collection method: not provided. Allele origin: germline. Inheritance: Autosomal recessive inheritance. Affected: yes.

NM_032444.4(SLX4):c.4338C>T (p.Thr1446=)

Gene: SLX4 (SLX4 structure-specific endonuclease subunit; minus strand). Cytogenetic location: 16p13.3.
Variant type: single nucleotide variant.
Coding change: c.4338C>T on transcript NM_032444.4 (MANE Select); coding-DNA position 4338, C replaced by T.
Protein change: p.Thr1446=; no amino-acid change (threonine 1446 retained).
Molecular consequence: synonymous variant.
Genome position (GRCh38, 1-based): chr16:3,589,300, G>A on the plus strand (C>T on the coding strand, the complement: SLX4 is on the minus strand). VCF-style: chr16-3589300-G-A. GRCh37 (hg19) VCF-style: chr16-3639301-G-A.
Other names: c.4338C>T (LRG_503t1, NM_032444.3).
Identifiers: ClinVar variation 241690 (VCV000241690.30), dbSNP rs77718962, ClinGen allele CA7865682.